The following is an entry in ClinVar:

ClinVar aggregate classification (germline): Likely pathogenic (0 of 4 stars; one submission).

Conditions:
Finnish congenital nephrotic syndrome (NPHS1). Also called: NEPHROTIC SYNDROME, TYPE 1. Identifiers: Orphanet 839, MedGen C0403399, MONDO:0009732, OMIM 256300.

Submission:

Juha Muilu Group; Institute for Molecular Medicine Finland (FIMM)
Classification: Likely pathogenic for Finnish congenital nephrotic syndrome. Review status: no assertion criteria provided. Collection method: not provided. Allele origin: unknown.
Comment: FinDis database variant: This variant was not found or characterized by our laboratory, data were collected from public sources: see reference
ClinVar note: Converted during submission from probable-pathogenic to Likely pathogenic.

NM_004646.4(NPHS1):c.1250G>T (p.Cys417Phe)

Gene: NPHS1 (NPHS1 adhesion molecule, nephrin; minus strand). Cytogenetic location: 19q13.12.
Variant type: single nucleotide variant.
Coding change: c.1250G>T on transcript NM_004646.4 (MANE Select); coding-DNA position 1250, G replaced by T.
Protein change: p.Cys417Phe; replaces cysteine 417 with phenylalanine.
Molecular consequence: missense variant.
Genome position (GRCh38, 1-based): chr19:35,848,318, C>A on the plus strand (G>T on the coding strand, the complement: NPHS1 is on the minus strand). VCF-style: chr19-35848318-C-A. GRCh37 (hg19) VCF-style: chr19-36339220-C-A.
Other names: short protein forms C417F.
Identifiers: ClinVar variation 56433 (VCV000056433.2), dbSNP rs386833875, ClinGen allele CA250111.